The following is an entry in ClinVar:

NM_001903.5(CTNNA1):c.2253G>A (p.Glu751=)

Gene: CTNNA1 (catenin alpha 1; plus strand). Cytogenetic location: 5q31.2.
Variant type: single nucleotide variant.
Coding change: c.2253G>A on transcript NM_001903.5 (MANE Select); coding-DNA position 2253, G replaced by A.
Protein change: p.Glu751=; no amino-acid change (glutamic acid 751 retained).
Molecular consequence: synonymous variant.
Genome position (GRCh38, 1-based): chr5:138,930,890, G>A. VCF-style: chr5-138930890-G-A. GRCh37 (hg19) VCF-style: chr5-138266579-G-A.
Other names: c.2253G>A, p.Glu751= (NM_001290307.3, NM_001323982.2, NM_001323983.1 and 2 more transcripts); c.1944G>A, p.Glu648= (NM_001290309.3); c.1884G>A, p.Glu628= (NM_001290310.3); c.1143G>A, p.Glu381= (NM_001290312.1, NM_001323987.1, NM_001323988.1 and 17 more transcripts); c.2160G>A, p.Glu720= (NM_001323986.2); c.804G>A, p.Glu268= (NM_001324006.1, NM_001324007.1, NM_001324008.1 and 2 more transcripts); c.1050G>A, p.Glu350= (NM_001324011.1); c.900G>A, p.Glu300= (NM_001324012.1, NM_001324013.1).
Identifiers: ClinVar variation 1568932 (VCV001568932.17), dbSNP rs2150337364, ClinGen allele CA446598113.

ClinVar aggregate classification (germline): Likely benign. Review status: criteria provided, multiple submitters, no conflicts (2 of 4 stars). 3 submissions from 3 submitters: Likely benign (3). Last evaluated 2025-04-01.

Conditions:
Hereditary cancer-predisposing syndrome. Also called: Tumor predisposition; Neoplastic Syndromes, Hereditary; Hereditary Cancer Syndrome; Hereditary neoplastic syndrome. Identifiers: Orphanet 140162, MedGen C0027672, MeSH D009386, MONDO:0015356.

gnomAD v4.1: 1 of 1,614,132 alleles (0.000062%); highest among the groups gnomAD compares: East Asian, 0.0022%; no homozygotes.

Submissions (3):

CeGaT Center for Human Genetics Tuebingen
Classification: Likely benign. Last evaluated: 2025-04-01. Review status: criteria provided, single submitter. Criteria: CeGaT Center For Human Genetics Tuebingen Variant Classification Criteria Version 2. Collection method: clinical testing. Allele origin: germline. Affected: yes. Observed: 1 variant allele.
Comment: CTNNA1: BP4, BP7

Labcorp Genetics (formerly Invitae), Labcorp
Classification: Likely benign. Last evaluated: 2023-08-16. Review status: criteria provided, single submitter. Criteria: Invitae Variant Classification Sherloc (09022015). Collection method: clinical testing. Allele origin: germline.

Ambry Genetics
Classification: Likely benign for Hereditary cancer-predisposing syndrome. Last evaluated: 2022-05-01. Review status: criteria provided, single submitter. Criteria: Ambry Variant Classification Scheme 2023. Collection method: clinical testing. Allele origin: germline.